The following is an entry in ClinVar:

ClinVar aggregate classification (germline): Uncertain significance (1 of 4 stars; one submission).

Conditions:
Hajdu-Cheney syndrome (HJCYS). Also called: SERPENTINE FIBULA-POLYCYSTIC KIDNEY SYNDROME; ACROOSTEOLYSIS WITH OSTEOPOROSIS AND CHANGES IN SKULL AND MANDIBLE; Acroosteolysis dominant type. Identifiers: Orphanet 955, MedGen C0917715, MONDO:0007057, OMIM 102500.

Submission:

Labcorp Genetics (formerly Invitae), Labcorp
Classification: Uncertain significance for Hajdu-Cheney syndrome. Last evaluated: 2021-10-27. Review status: criteria provided, single submitter. Criteria: Invitae Variant Classification Sherloc (09022015). Collection method: clinical testing. Allele origin: germline.
Comment: Advanced modeling of protein sequence and biophysical properties (such as structural, functional, and spatial information, amino acid conservation, physicochemical variation, residue mobility, and thermodynamic stability) performed at Invitae indicates that this missense variant is expected to disrupt NOTCH2 protein function. In summary, the available evidence is currently insufficient to determine the role of this variant in disease. Therefore, it has been classified as a Variant of Uncertain Significance. This variant has not been reported in the literature in individuals affected with NOTCH2-related conditions. This variant is not present in population databases (gnomAD no frequency). This sequence change replaces alanine, a(n) neutral and non-polar amino acid, with serine, a(n) neutral and polar amino acid, at codon 1647 of the NOTCH2 protein (p.Ala1647Ser).

NM_024408.4(NOTCH2):c.4939G>T (p.Ala1647Ser)

Gene: NOTCH2 (notch receptor 2; minus strand). Cytogenetic location: 1p12.
Variant type: single nucleotide variant.
Coding change: c.4939G>T on transcript NM_024408.4 (MANE Select); coding-DNA position 4939, G replaced by T.
Protein change: p.Ala1647Ser; replaces alanine 1647 with serine.
Molecular consequence: missense variant.
Genome position (GRCh38, 1-based): chr1:119,922,699, C>A on the plus strand (G>T on the coding strand, the complement: NOTCH2 is on the minus strand). VCF-style: chr1-119922699-C-A. GRCh37 (hg19) VCF-style: chr1-120465322-C-A.
Other names: short protein forms A1647S.
Identifiers: ClinVar variation 1509493 (VCV001509493.6), dbSNP rs2101156178, ClinGen allele CA341888067.